The following is an entry in ClinVar:

NM_004260.4(RECQL4):c.1483+3G>T

Gene: RECQL4 (RecQ like helicase 4; minus strand). Cytogenetic location: 8q24.3.
Variant type: single nucleotide variant.
Coding change: c.1483+3G>T on transcript NM_004260.4 (MANE Select); 3 bases into the intron after coding-DNA position 1483, G replaced by T.
Molecular consequence: intron variant.
Genome position (GRCh38, 1-based): chr8:144,515,147, C>A on the plus strand (G>T on the coding strand, the complement: RECQL4 is on the minus strand). VCF-style: chr8-144515147-C-A. GRCh37 (hg19) VCF-style: chr8-145740531-C-A.
Identifiers: ClinVar variation 949681 (VCV000949681.6), dbSNP rs771224692, ClinGen allele CA1139660837.

ClinVar aggregate classification (germline): Uncertain significance (1 of 4 stars; one submission).

Conditions:
Baller-Gerold syndrome (BGS). Also called: CRANIOSYNOSTOSIS WITH RADIAL DEFECTS. Identifiers: Orphanet 1225, MedGen C0265308, MONDO:0009039, OMIM 218600.

Submission:

Labcorp Genetics (formerly Invitae), Labcorp
Classification: Uncertain significance for Baller-Gerold syndrome. Last evaluated: 2019-08-21. Review status: criteria provided, single submitter. Criteria: Invitae Variant Classification Sherloc (09022015). Collection method: clinical testing. Allele origin: germline.
Comment: This variant is not present in population databases (ExAC no frequency). This variant has not been reported in the literature in individuals with RECQL4-related conditions. Nucleotide substitutions within the consensus splice site are a relatively common cause of aberrant splicing (PMID: 17576681, 9536098). Algorithms developed to predict the effect of sequence changes on RNA splicing suggest that this variant may disrupt the consensus splice site, but this prediction has not been confirmed by published transcriptional studies. In summary, the available evidence is currently insufficient to determine the role of this variant in disease. Therefore, it has been classified as a Variant of Uncertain Significance. This sequence change falls in intron 8 of the RECQL4 gene. It does not directly change the encoded amino acid sequence of the RECQL4 protein, but it affects a nucleotide within the consensus splice site of the intron.

Literature cited by the submitters: PubMed 17576681; PubMed 9536098.